The following is an entry in ClinVar:

NM_000302.4(PLOD1):c.109G>A (p.Glu37Lys)

Gene: PLOD1 (procollagen-lysine,2-oxoglutarate 5-dioxygenase 1; plus strand). Cytogenetic location: 1p36.22.
Variant type: single nucleotide variant.
Coding change: c.109G>A on transcript NM_000302.4 (MANE Select); coding-DNA position 109, G replaced by A.
Protein change: p.Glu37Lys; replaces glutamic acid 37 with lysine.
Molecular consequence: missense variant.
Genome position (GRCh38, 1-based): chr1:11,948,008, G>A. VCF-style: chr1-11948008-G-A. GRCh37 (hg19) VCF-style: chr1-12008065-G-A.
Other names: c.250G>A, p.Glu84Lys (NM_001316320.2); short protein forms E37K, E84K.
Identifiers: ClinVar variation 459803 (VCV000459803.29), dbSNP rs369263247, ClinGen allele CA597788.
Genomic context (GRCh38, chr1:11,948,008, plus strand): 5'-CATTCACCATACCCTCCTCTGTCTGCAGACAACCTTTTAGTCCTCACGGTGGCCACTAAG[G>A]AGACCGAGGGATTCCGTCGCTTCAAGCGCTCAGCTCAGTTCTTCAACTACAAGATCCAGG-3'
Protein context (NP_000293.2, residues 27-47): NLLVLTVATK[Glu37Lys]TEGFRRFKRS

ClinVar aggregate classification (germline): Conflicting classifications of pathogenicity. Review status: criteria provided, conflicting classifications (1 of 4 stars). 8 submissions from 8 submitters: Uncertain significance (5); Likely benign (2). 1 of the submissions does not count toward it. Last evaluated 2025-11-18.

Conditions:
Keratoconus (KC). Identifiers: MedGen C0022578, MeSH D007640, MONDO:0015486, HP:0000563.
Familial thoracic aortic aneurysm and aortic dissection (TAAD). Also called: Thoracic aortic aneurysms and dissections. Identifiers: Orphanet 91387, MedGen C4707243, MONDO:0019625.
Ehlers-Danlos syndrome, kyphoscoliotic type 1 (EDSKSCL1). Also called: Ehlers-Danlos syndrome, hydroxylysine-deficient; EHLERS-DANLOS SYNDROME, OCULAR-SCOLIOTIC TYPE; PLOD1-Related Kyphoscoliotic Ehlers-Danlos Syndrome; EHLERS-DANLOS SYNDROME, TYPE VIA. Identifiers: Orphanet 1900, MedGen C0268342, MONDO:0016002, OMIM 225400. Disease mechanism: loss of function.

Allele frequency attached by ClinVar (database versions not stated): gnomAD 0.00004 and 0.00005; gnomAD exomes 0.00004 and 0.00017; ExAC 0.00012; TOPMed 0.00012; 1000 Genomes Project 30x 0.00031; 1000 Genomes Project 0.00040.
gnomAD v4.1: 104 of 1,613,806 alleles (0.0064%); highest among the groups gnomAD compares: East Asian, 0.098%; 1 homozygote.

Submissions (8):

Women's Health and Genetics/Laboratory Corporation of America, LabCorp
Classification: Likely benign. Last evaluated: 2025-11-18. Review status: criteria provided, single submitter. Criteria: LabCorp Variant Classification Summary - May 2015. Collection method: clinical testing. Allele origin: germline.
Comment: Variant summary: PLOD1 c.109G>A (p.Glu37Lys) results in a conservative amino acid change in the encoded protein sequence. Algorithms developed to predict the effect of missense changes on protein structure and function are either unavailable or do not agree on the potential impact of this missense change. The variant allele was found at a frequency of 0.00017 in 251492 control chromosomes, predominantly at a frequency of 0.002 within the East Asian subpopulation in the gnomAD database. The observed variant frequency within East Asian control individuals in the gnomAD database exceeds the estimated maximal expected allele frequency for disease-causing variants in PLOD1. To our knowledge, no occurrence of c.109G>A in individuals affected with PLOD1-related conditions and no experimental evidence demonstrating its impact on protein function have been reported. ClinVar contains an entry for this variant (Variation ID: 459803). Based on the evidence outlined above, the variant was classified as likely benign.

Labcorp Genetics (formerly Invitae), Labcorp
Classification: Likely benign for Ehlers-Danlos syndrome, kyphoscoliotic type 1. Last evaluated: 2025-10-27. Review status: criteria provided, single submitter. Criteria: Invitae Variant Classification Sherloc (09022015). Collection method: clinical testing. Allele origin: germline.

Ambry Genetics
Classification: Uncertain significance for Familial thoracic aortic aneurysm and aortic dissection. Last evaluated: 2025-09-30. Review status: criteria provided, single submitter. Criteria: Ambry Variant Classification Scheme 2023. Collection method: clinical testing. Allele origin: germline.
Comment: The p.E37K variant (also known as c.109G>A), located in coding exon 2 of the PLOD1 gene, results from a G to A substitution at nucleotide position 109. The glutamic acid at codon 37 is replaced by lysine, an amino acid with similar properties. This amino acid position is well conserved in available vertebrate species. In addition, this alteration is predicted to be tolerated by in silico analysis. Since supporting evidence is limited at this time, the clinical significance of this alteration remains unclear.

Blueprint Genetics
Classification: Uncertain significance. Last evaluated: 2024-11-08. Review status: criteria provided, single submitter. Criteria: ACMG Guidelines, 2015. Collection method: clinical testing. Allele origin: germline.

Fulgent Genetics
Classification: Uncertain significance for Ehlers-Danlos syndrome, kyphoscoliotic type 1. Last evaluated: 2021-10-07. Review status: criteria provided, single submitter. Criteria: ACMG Guidelines, 2015. Collection method: clinical testing. Allele origin: unknown.

GeneDx
Classification: Uncertain significance. Last evaluated: 2020-05-06. Review status: criteria provided, single submitter. Criteria: GeneDx Variant Classification (06012015). Collection method: clinical testing. Allele origin: germline. Affected: yes.
Comment: In silico analysis supports that this missense variant has a deleterious effect on protein structure/function Has not been previously published as pathogenic or benign to our knowledge

ARUP Laboratories, Molecular Genetics and Genomics, ARUP Laboratories
Classification: Uncertain significance for Ehlers-Danlos syndrome, kyphoscoliotic type 1. Last evaluated: 2019-08-12. Review status: criteria provided, single submitter. Criteria: ARUP Molecular Germline Variant Investigation Process. Collection method: clinical testing. Allele origin: germline.

Refractive Surgery Department, Bright Eye Hospital
Classification: Likely pathogenic for Keratoconus. Last evaluated: 2023-08-04. Review status: no assertion criteria provided. Collection method: clinical testing. Allele origin: biparental. Inheritance: Autosomal dominant inheritance. Affected: yes. Observed: 2 variant alleles, 2 heterozygotes. Not counted in ClinVar's aggregate classification.
Comment: In this study, a heterozygous PLOD1 mutation c.109G>A was detected in family 1, which is located in exon 2 and causes a p.Glu37Lys amino acid change. The conformational alteration of the protein caused by this variant may disturb the crosslinking of corneal fibrils. In addition, PPI network showed the interaction between PLOD1 and COL1A1 or PLOD1 and COL5A1. Therefore, misfolding and/or aggregate formation of PLOD1 likely cause the development of KC by disturbing corneal crosslinking. To date, this is the first report to identify a PLOD1 mutation in a family with KC.